The following is an entry in ClinVar:

NM_001371623.1(TCOF1):c.2267C>G (p.Ala756Gly)

Gene: TCOF1 (treacle ribosome biogenesis factor 1; plus strand). Cytogenetic location: 5q32.
Variant type: single nucleotide variant.
Coding change: c.2267C>G on transcript NM_001371623.1 (MANE Select); coding-DNA position 2267, C replaced by G.
Protein change: p.Ala756Gly; replaces alanine 756 with glycine.
Molecular consequence: missense variant.
Genome position (GRCh38, 1-based): chr5:150,376,547, C>G. VCF-style: chr5-150376547-C-G. GRCh37 (hg19) VCF-style: chr5-149756110-C-G.
Other names: c.2036C>G, p.Ala679Gly (NM_000356.4, NM_001135245.2, NM_001437406.1); c.2267C>G, p.Ala756Gly (NM_001008657.3, NM_001135243.2, NM_001135244.2 and 1 more transcripts); short protein forms A756G, A679G.
Identifiers: ClinVar variation 4702750 (VCV004702750.1).

ClinVar aggregate classification (germline): Uncertain significance (1 of 4 stars; one submission).

Conditions:
Treacher Collins syndrome 1 (TCS1). Also called: TCOF1-Related Treacher Collins Syndrome. Identifiers: Orphanet 861, MedGen CN315775, MONDO:0007944, OMIM 154500.

gnomAD v4.1: 2 of 1,606,700 alleles (0.00012%); no homozygotes.

Submission:

Labcorp Genetics (formerly Invitae), Labcorp
Classification: Uncertain significance for Treacher Collins syndrome 1. Last evaluated: 2025-03-07. Review status: criteria provided, single submitter. Criteria: Invitae Variant Classification Sherloc (09022015). Collection method: clinical testing. Allele origin: germline.
Comment: This sequence change replaces alanine, which is neutral and non-polar, with glycine, which is neutral and non-polar, at codon 756 of the TCOF1 protein (p.Ala756Gly). This variant is not present in population databases (gnomAD no frequency). This variant has not been reported in the literature in individuals affected with TCOF1-related conditions. Invitae Evidence Modeling of protein sequence and biophysical properties (such as structural, functional, and spatial information, amino acid conservation, physicochemical variation, residue mobility, and thermodynamic stability) indicates that this missense variant is not expected to disrupt TCOF1 protein function with a negative predictive value of 80%. In summary, the available evidence is currently insufficient to determine the role of this variant in disease. Therefore, it has been classified as a Variant of Uncertain Significance.